The following is an entry in ClinVar:

NM_000548.5(TSC2):c.412G>C (p.Glu138Gln)

Gene: TSC2 (TSC complex subunit 2; plus strand). Cytogenetic location: 16p13.3.
Variant type: single nucleotide variant.
Coding change: c.412G>C on transcript NM_000548.5 (MANE Select); coding-DNA position 412, G replaced by C.
Protein change: p.Glu138Gln; replaces glutamic acid 138 with glutamine.
Molecular consequence: missense variant. On other transcripts: intron variant (1).
Genome position (GRCh38, 1-based): chr16:2,054,371, G>C. VCF-style: chr16-2054371-G-C. GRCh37 (hg19) VCF-style: chr16-2104372-G-C.
Other names: c.412G>C, p.Glu138Gln (NM_001077183.3, NM_001114382.3, NM_001363528.2 and 8 more transcripts); c.301G>C, p.Glu101Gln (NM_001318827.2, NM_001406670.1, NM_001406678.1); c.265G>C, p.Glu89Gln (NM_001318829.2, NM_001406675.1, NM_001406676.1 and 1 more transcripts); c.445G>C, p.Glu149Gln (NM_001318832.2); c.502G>C, p.Glu168Gln (NM_001406667.1, NM_001406668.1); c.355G>C, p.Glu119Gln (NM_001406677.1); c.-405G>C (NM_001406680.1, NM_001406683.1, NM_001406687.1); c.-34G>C (NM_001406681.1); and 6 more; short protein forms E168Q, E101Q, E138Q, E149Q, E119Q, E89Q.
Identifiers: ClinVar variation 1979361 (VCV001979361.3), dbSNP rs1173061992, ClinGen allele CA394307091.

ClinVar aggregate classification (germline): Uncertain significance (1 of 4 stars; one submission).

Conditions:
Tuberous sclerosis 2 (TSC2). Identifiers: Orphanet 805, MedGen C1860707, MONDO:0013199, OMIM 613254.

Submission:

Labcorp Genetics (formerly Invitae), Labcorp
Classification: Uncertain significance for Tuberous sclerosis 2. Last evaluated: 2024-04-10. Review status: criteria provided, single submitter. Criteria: Invitae Variant Classification Sherloc (09022015). Collection method: clinical testing. Allele origin: germline.
Comment: This sequence change replaces glutamic acid, which is acidic and polar, with glutamine, which is neutral and polar, at codon 138 of the TSC2 protein (p.Glu138Gln). This variant is not present in population databases (gnomAD no frequency). This variant has not been reported in the literature in individuals affected with TSC2-related conditions. ClinVar contains an entry for this variant (Variation ID: 1979361). Advanced modeling of protein sequence and biophysical properties (such as structural, functional, and spatial information, amino acid conservation, physicochemical variation, residue mobility, and thermodynamic stability) performed at Invitae indicates that this missense variant is not expected to disrupt TSC2 protein function with a negative predictive value of 95%. In summary, the available evidence is currently insufficient to determine the role of this variant in disease. Therefore, it has been classified as a Variant of Uncertain Significance.